The following is an entry in ClinVar:

ClinVar aggregate classification (germline): Uncertain significance (1 of 4 stars; one submission).

Conditions:
COG5-congenital disorder of glycosylation. Also called: CDG IIi; COG5-CDG; CONGENITAL DISORDER OF GLYCOSYLATION, TYPE IIi. Identifiers: Orphanet 263487, MedGen C3150876, MONDO:0013325, OMIM 613612.

Allele frequency attached by ClinVar (database versions not stated): gnomAD exomes below 0.00001.
gnomAD v4.1: 3 of 1,559,238 alleles (0.00019%); highest among the groups gnomAD compares: Non-Finnish European, 0.00027%; no homozygotes.

Submission:

Labcorp Genetics (formerly Invitae), Labcorp
Classification: Uncertain significance for COG5-congenital disorder of glycosylation. Last evaluated: 2021-08-30. Review status: criteria provided, single submitter. Criteria: Invitae Variant Classification Sherloc (09022015). Collection method: clinical testing. Allele origin: germline.
Comment: This sequence change replaces leucine with proline at codon 219 of the COG5 protein (p.Leu219Pro). The leucine residue is highly conserved and there is a moderate physicochemical difference between leucine and proline. This variant is not present in population databases (ExAC no frequency). This variant has not been reported in the literature in individuals affected with COG5-related conditions. Algorithms developed to predict the effect of missense changes on protein structure and function (SIFT, PolyPhen-2, Align-GVGD) all suggest that this variant is likely to be disruptive. In summary, the available evidence is currently insufficient to determine the role of this variant in disease. Therefore, it has been classified as a Variant of Uncertain Significance.

NM_006348.5(COG5):c.563T>C (p.Leu188Pro)

Gene: COG5 (component of oligomeric golgi complex 5; minus strand). Cytogenetic location: 7q22.3.
Variant type: single nucleotide variant.
Coding change: c.563T>C on transcript NM_006348.5 (MANE Select); coding-DNA position 563, T replaced by C.
Protein change: p.Leu188Pro; replaces leucine 188 with proline.
Molecular consequence: missense variant. On other transcripts: intron variant (2).
Genome position (GRCh38, 1-based): chr7:107,412,608, A>G on the plus strand (T>C on the coding strand, the complement: COG5 is on the minus strand). VCF-style: chr7-107412608-A-G. GRCh37 (hg19) VCF-style: chr7-107053053-A-G.
Other names: c.563T>C, p.Leu188Pro (NM_001161520.2, NM_001379511.1, NM_001379512.1 and 3 more transcripts); c.235-50498T>C (NM_001379516.1); c.539-114262T>C (NM_001379515.1); short protein forms L188P.
Identifiers: ClinVar variation 1350098 (VCV001350098.6), dbSNP rs1563018594, ClinGen allele CA368939142.